The following is an entry in ClinVar:

ClinVar aggregate classification (germline): Uncertain significance (1 of 4 stars; one submission).

Submission:

GeneDx
Classification: Uncertain significance. Last evaluated: 2023-10-02. Review status: criteria provided, single submitter. Criteria: GeneDx Variant Classification Process June 2021. Collection method: clinical testing. Allele origin: germline. Affected: yes.
Comment: Not observed at significant frequency in large population cohorts (gnomAD); In silico analysis supports that this missense variant has a deleterious effect on protein structure/function; Has not been previously published as pathogenic or benign to our knowledge

NM_004859.4(CLTC):c.146A>G (p.Gln49Arg)

Gene: CLTC (clathrin heavy chain; plus strand). Cytogenetic location: 17q23.1.
Variant type: single nucleotide variant.
Coding change: c.146A>G on transcript NM_004859.4 (MANE Select); coding-DNA position 146, A replaced by G.
Protein change: p.Gln49Arg; replaces glutamine 49 with arginine.
Molecular consequence: missense variant.
Genome position (GRCh38, 1-based): chr17:59,644,379, A>G. VCF-style: chr17-59644379-A-G. GRCh37 (hg19) VCF-style: chr17-57721740-A-G.
Other names: c.146A>G, p.Gln49Arg (NM_001288653.2); short protein forms Q49R.
Identifiers: ClinVar variation 3252348 (VCV003252348.1), dbSNP rs2509357253.